The following is an entry in ClinVar:

NM_001277115.2(DNAH11):c.13399G>A (p.Val4467Met)

Genes: CDCA7L (cell division cycle associated 7 like; minus strand), DNAH11 (dynein axonemal heavy chain 11; plus strand). Cytogenetic location: 7p15.3.
Variant type: single nucleotide variant.
Coding change: c.13399G>A on transcript NM_001277115.2 (MANE Select); coding-DNA position 13399, G replaced by A.
Protein change: p.Val4467Met; replaces valine 4467 with methionine.
Molecular consequence: missense variant. On other transcripts: 3 prime UTR variant (3).
Genome position (GRCh38, 1-based): chr7:21,901,102, G>A. VCF-style: chr7-21901102-G-A. GRCh37 (hg19) VCF-style: chr7-21940720-G-A.
Other names: c.*1220C>T (NM_001127370.3, NM_001127371.3, NM_018719.5); short protein forms V4467M.
Identifiers: ClinVar variation 359699 (VCV000359699.23), dbSNP rs200609513, ClinGen allele CA4183481.

ClinVar aggregate classification (germline): Benign/Likely benign. Review status: criteria provided, multiple submitters, no conflicts (2 of 4 stars). 4 submissions from 4 submitters: Benign (1); Likely benign (2). 1 of the submissions does not count toward it. Last evaluated 2025-12-15.

Conditions:
Primary ciliary dyskinesia. Also called: Ciliary dyskinesia. Identifiers: Orphanet 244, MedGen C0008780, MONDO:0016575, HP:0012265.
DNAH11-related disorder. Also called: DNAH11-related condition.

Allele frequency attached by ClinVar (database versions not stated): gnomAD 0.00020 and 0.00031; TOPMed 0.00025; gnomAD exomes 0.00034 and 0.00055; 1000 Genomes Project 30x 0.00047; ESP Exome Variant Server 0.00050; 1000 Genomes Project 0.00060; ExAC 0.00062.
gnomAD v4.1: 567 of 1,613,578 alleles (0.035%); highest among the groups gnomAD compares: Middle Eastern, 0.38%; 2 homozygotes.

Submissions (4):

Labcorp Genetics (formerly Invitae), Labcorp
Classification: Likely benign for Primary ciliary dyskinesia. Last evaluated: 2025-12-15. Review status: criteria provided, single submitter. Criteria: Invitae Variant Classification Sherloc (09022015). Collection method: clinical testing. Allele origin: germline.

Blueprint Genetics
Classification: Likely benign. Last evaluated: 2024-10-31. Review status: criteria provided, single submitter. Criteria: ACMG Guidelines, 2015. Collection method: clinical testing. Allele origin: germline.

Ambry Genetics
Classification: Benign for Primary ciliary dyskinesia. Last evaluated: 2024-06-06. Review status: criteria provided, single submitter. Criteria: Ambry Variant Classification Scheme 2023. Collection method: clinical testing. Allele origin: germline.

PreventionGenetics, part of Exact Sciences
Classification: Likely benign for DNAH11-related condition. Last evaluated: 2023-01-18. Review status: no assertion criteria provided. Collection method: clinical testing. Allele origin: germline. Not counted in ClinVar's aggregate classification.
Comment: This variant is classified as likely benign based on ACMG/AMP sequence variant interpretation guidelines (Richards et al. 2015 PMID: 25741868, with internal and published modifications).